The following is an entry in ClinVar:

ClinVar aggregate classification (germline): Likely benign (0 of 4 stars; one submission).

Conditions:
NF1-related disorder. Also called: NF1-related condition. Identifiers: MedGen CN379171.

Submission:

PreventionGenetics, part of Exact Sciences
Classification: Likely benign for NF1-related condition. Last evaluated: 2023-12-06. Review status: no assertion criteria provided. Collection method: clinical testing. Allele origin: germline.
Comment: This variant is classified as likely benign based on ACMG/AMP sequence variant interpretation guidelines (Richards et al. 2015 PMID: 25741868, with internal and published modifications).

NM_001042492.3(NF1):c.183T>C (p.Ile61=)

Gene: NF1 (neurofibromin 1; plus strand). Cytogenetic location: 17q11.2.
Variant type: single nucleotide variant.
Coding change: c.183T>C on transcript NM_001042492.3 (MANE Select); coding-DNA position 183, T replaced by C.
Protein change: p.Ile61=; no amino-acid change (isoleucine 61 retained).
Molecular consequence: synonymous variant.
Genome position (GRCh38, 1-based): chr17:31,156,105, T>C. VCF-style: chr17-31156105-T-C. GRCh37 (hg19) VCF-style: chr17-29483123-T-C.
Other names: c.183T>C, p.Ile61= (NM_000267.4, NM_001128147.3).
Identifiers: ClinVar variation 3047961 (VCV003047961.2), dbSNP rs2143627330, ClinGen allele CA499232581.